The following is an entry in ClinVar:

ClinVar aggregate classification (germline): Uncertain significance. Review status: criteria provided, multiple submitters, no conflicts (2 of 4 stars). 2 submissions from 2 submitters: Uncertain significance (2). Last evaluated 2025-02-25.

gnomAD v4.1: 1 of 1,209,258 alleles (0.000083%); highest among the groups gnomAD compares: Admixed American, 0.0022%; no homozygotes.

Submissions (2):

GeneDx
Classification: Uncertain significance. Last evaluated: 2025-02-25. Review status: criteria provided, single submitter. Criteria: GeneDx Variant Classification Process June 2021. Collection method: clinical testing. Allele origin: germline. Affected: yes.
Comment: Not observed at significant frequency in large population cohorts (gnomAD); In silico analysis indicates that this missense variant does not alter protein structure/function; Has not been previously published as pathogenic or benign to our knowledge

Labcorp Genetics (formerly Invitae), Labcorp
Classification: Uncertain significance. Last evaluated: 2024-05-06. Review status: criteria provided, single submitter. Criteria: Invitae Variant Classification Sherloc (09022015). Collection method: clinical testing. Allele origin: germline.
Comment: This sequence change replaces glutamine, which is neutral and polar, with glutamic acid, which is acidic and polar, at codon 1082 of the NEXMIF protein (p.Gln1082Glu). This variant is not present in population databases (gnomAD no frequency). This variant has not been reported in the literature in individuals affected with NEXMIF-related conditions. An algorithm developed to predict the effect of missense changes on protein structure and function (PolyPhen-2) suggests that this variant is likely to be disruptive. In summary, the available evidence is currently insufficient to determine the role of this variant in disease. Therefore, it has been classified as a Variant of Uncertain Significance.

NM_001008537.3(NEXMIF):c.3244C>G (p.Gln1082Glu)

Gene: NEXMIF (neurite extension and migration factor; minus strand). Cytogenetic location: Xq13.3.
Variant type: single nucleotide variant.
Coding change: c.3244C>G on transcript NM_001008537.3 (MANE Select); coding-DNA position 3244, C replaced by G.
Protein change: p.Gln1082Glu; replaces glutamine 1082 with glutamic acid.
Molecular consequence: missense variant.
Genome position (GRCh38, 1-based): chrX:74,741,313, G>C on the plus strand (C>G on the coding strand, the complement: NEXMIF is on the minus strand). VCF-style: chrX-74741313-G-C. GRCh37 (hg19) VCF-style: chrX-73961148-G-C.
Other names: c.3244C>G (NM_001008537.1); short protein forms Q1082E.
Identifiers: ClinVar variation 3626183 (VCV003626183.3).